The following is an entry in ClinVar:

ClinVar aggregate classification (germline): Uncertain significance (1 of 4 stars; one submission).

Allele frequency attached by ClinVar (database versions not stated): gnomAD exomes below 0.00001.

Submission:

Labcorp Genetics (formerly Invitae), Labcorp
Classification: Uncertain significance. Last evaluated: 2022-08-22. Review status: criteria provided, single submitter. Criteria: Invitae Variant Classification Sherloc (09022015). Collection method: clinical testing. Allele origin: germline.
Comment: Experimental studies and prediction algorithms are not available or were not evaluated, and the functional significance of this variant is currently unknown. ClinVar contains an entry for this variant (Variation ID: 1024268). In summary, the available evidence is currently insufficient to determine the role of this variant in disease. Therefore, it has been classified as a Variant of Uncertain Significance. This sequence change replaces glutamine, which is neutral and polar, with histidine, which is basic and polar, at codon 163 of the KIZ protein (p.Gln163His). This variant is not present in population databases (gnomAD no frequency). This variant has not been reported in the literature in individuals affected with KIZ-related conditions.

NM_018474.6(KIZ):c.489A>C (p.Gln163His)

Gene: KIZ (kizuna centrosomal protein; plus strand). Cytogenetic location: 20p11.23.
Variant type: single nucleotide variant.
Coding change: c.489A>C on transcript NM_018474.6 (MANE Select); coding-DNA position 489, A replaced by C.
Protein change: p.Gln163His; replaces glutamine 163 with histidine.
Molecular consequence: missense variant.
Genome position (GRCh38, 1-based): chr20:21,161,954, A>C. VCF-style: chr20-21161954-A-C. GRCh37 (hg19) VCF-style: chr20-21142595-A-C.
Other names: c.180A>C, p.Gln60His (NM_001163022.3, NM_001352435.2); c.90A>C, p.Gln30His (NM_001163023.3); c.342A>C, p.Gln114His (NM_001276389.2); c.489A>C, p.Gln163His (NM_001352434.2); c.147A>C, p.Gln49His (NM_001352436.2); short protein forms Q114H, Q163H, Q30H, Q49H, Q60H.
Identifiers: ClinVar variation 1024268 (VCV001024268.6), dbSNP rs2033682692, ClinGen allele CA408491433.
Genomic context (GRCh38, chr20:21,161,954, plus strand): 5'-CTCAGGAACAGCCATGTCAAGAGGATTGTATCAACCAGCAACAATCTTTATGGGCCGCCA[A>C]ATGTCAGCCATCTTAAGCATGAGAGATTTCAGTACAGAGCACAAATCTCCCCAGCCCACA-3'
Protein context (NP_060944.3, residues 153-173): YQPATIFMGR[Gln163His]MSAILSMRDF